The following is an entry in ClinVar:

ClinVar aggregate classification (germline): Conflicting classifications of pathogenicity. Review status: criteria provided, conflicting classifications (1 of 4 stars). 2 submissions from 2 submitters: Likely pathogenic (1); Uncertain significance (1). Last evaluated 2023-09-07.

Conditions:
Distal arthrogryposis type 5D (DA5D). Identifiers: Orphanet 329457, MedGen C3554415, MONDO:0014028, OMIM 615065.

gnomAD v4.1: 7 of 1,613,976 alleles (0.00043%); highest among the groups gnomAD compares: Non-Finnish European, 0.00042%; no homozygotes.

Submissions (2):

GeneDx
Classification: Likely pathogenic. Last evaluated: 2023-09-07. Review status: criteria provided, single submitter. Criteria: GeneDx Variant Classification Process June 2021. Collection method: clinical testing. Allele origin: germline. Affected: yes.
Comment: Published functional studies found this variant results in abnormal splicing leading to reduced mRNA and protein expression (Nagata K et al., 2017); Not observed at significant frequency in large population cohorts (gnomAD); In silico analysis supports that this missense variant has a deleterious effect on protein structure/function; This variant is associated with the following publications: (PMID: 23808592, 29132416)

Suma Genomics
Classification: Uncertain significance for Distal arthrogryposis type 5D. Review status: criteria provided, single submitter. Criteria: ACMG Guidelines, 2015. Collection method: clinical testing. Allele origin: germline. Inheritance: Autosomal recessive inheritance. Affected: yes. Observed: 1 compound heterozygote.
Comment: A missense variant c.1819G>A, p.(Gly607Ser) is observed in exon 13 of ECEL1 in trans with another variant. This variant is not observed in the gnomAD database. The in-silico analysis tool REVEL consistently predicts that this variant is disease-causing. ACMG criteria: PM2_Supporting and PP3

NM_004826.4(ECEL1):c.1819G>A (p.Gly607Ser)

Gene: ECEL1 (endothelin converting enzyme like 1; minus strand). Cytogenetic location: 2q37.1.
Variant type: single nucleotide variant.
Coding change: c.1819G>A on transcript NM_004826.4 (MANE Select); coding-DNA position 1819, G replaced by A.
Protein change: p.Gly607Ser; replaces glycine 607 with serine.
Molecular consequence: missense variant.
Genome position (GRCh38, 1-based): chr2:232,481,827, C>T on the plus strand (G>A on the coding strand, the complement: ECEL1 is on the minus strand). VCF-style: chr2-232481827-C-T. GRCh37 (hg19) VCF-style: chr2-233346537-C-T.
Other names: c.1813G>A, p.Gly605Ser (NM_001290787.2); short protein forms G605S, G607S.
Identifiers: ClinVar variation 3340410 (VCV003340410.2).